The following is an entry in ClinVar:

NM_000726.5(CACNB4):c.869C>T (p.Ala290Val)

Gene: CACNB4 (calcium voltage-gated channel auxiliary subunit beta 4; minus strand). Cytogenetic location: 2q23.3.
Variant type: single nucleotide variant.
Coding change: c.869C>T on transcript NM_000726.5 (MANE Select); coding-DNA position 869, C replaced by T.
Protein change: p.Ala290Val; replaces alanine 290 with valine.
Molecular consequence: missense variant.
Genome position (GRCh38, 1-based): chr2:151,855,375, G>A on the plus strand (C>T on the coding strand, the complement: CACNB4 is on the minus strand). VCF-style: chr2-151855375-G-A. GRCh37 (hg19) VCF-style: chr2-152711889-G-A.
Other names: c.815C>T, p.Ala272Val (NM_001005746.4); c.767C>T, p.Ala256Val (NM_001005747.4); c.869C>T, p.Ala290Val (NM_001145798.3); c.728C>T, p.Ala243Val (NM_001320722.3, NM_001330118.2); c.626C>T, p.Ala209Val (NM_001330113.2); c.215C>T, p.Ala72Val (NM_001330114.2); c.578C>T, p.Ala193Val (NM_001330115.2); c.539C>T, p.Ala180Val (NM_001330116.2); and 1 more; short protein forms A104V, A180V, A193V, A209V, A243V, A256V, A272V, A290V.
Identifiers: ClinVar variation 1879487 (VCV001879487.30), dbSNP rs764002046, ClinGen allele CA1912441.
Genomic context (GRCh38, chr2:151,855,375, plus strand): 5'-ACAACCAGTTGCAAAGATCTTGCCAACTCAAAGATTCTTTCAATTTCACTTTGTACTTCC[G>A]CTTAAAGGAAAAATAATAAATAGATCCCGGTTATTGTTATGAATTAGTTCTTACATTAGA-3'
Protein context (NP_000717.2, residues 280-300): IERSNTRSSL[Ala290Val]EVQSEIERIF

ClinVar aggregate classification (germline): Uncertain significance. Review status: criteria provided, multiple submitters, no conflicts (2 of 4 stars). 3 submissions from 3 submitters: Uncertain significance (3). Last evaluated 2024-12-18.

Conditions:
Epilepsy, idiopathic generalized, susceptibility to, 9. Identifiers: Orphanet 307, MedGen C2750887, MONDO:0011892, OMIM 607682.

Allele frequency attached by ClinVar (database versions not stated): gnomAD 0.00001; TOPMed 0.00001; ExAC 0.00003.
gnomAD v4.1: 24 of 1,575,538 alleles (0.0015%); highest among the groups gnomAD compares: Middle Eastern, 0.034%; no homozygotes.

Submissions (3):

Genomic Medicine Center of Excellence, King Faisal Specialist Hospital and Research Centre
Classification: Uncertain significance for Epilepsy, idiopathic generalized, susceptibility to, 9. Last evaluated: 2024-12-18. Review status: criteria provided, single submitter. Criteria: ACMG Guidelines, 2015. Collection method: clinical testing. Allele origin: germline.

CeGaT Center for Human Genetics Tuebingen
Classification: Uncertain significance. Last evaluated: 2022-10-01. Review status: criteria provided, single submitter. Criteria: CeGaT Center For Human Genetics Tuebingen Variant Classification Criteria Version 2. Collection method: clinical testing. Allele origin: germline. Affected: yes. Observed: 1 variant allele.
Comment: CACNB4: PM2, BP4

Clinical Genetics Laboratory, Skane University Hospital Lund
Classification: Uncertain significance. Last evaluated: 2022-05-27. Review status: criteria provided, single submitter. Criteria: ACMG Guidelines, 2015. Collection method: clinical testing. Allele origin: germline. Affected: yes.